The following is an entry in ClinVar:

ClinVar aggregate classification (germline): Uncertain significance (1 of 4 stars; one submission).

Submission:

Labcorp Genetics (formerly Invitae), Labcorp
Classification: Uncertain significance. Last evaluated: 2023-01-24. Review status: criteria provided, single submitter. Criteria: Invitae Variant Classification Sherloc (09022015). Collection method: clinical testing. Allele origin: germline.
Comment: This sequence change replaces glutamine, which is neutral and polar, with histidine, which is basic and polar, at codon 72 of the REST protein (p.Gln72His). This variant is not present in population databases (gnomAD no frequency). This variant has not been reported in the literature in individuals affected with REST-related conditions. Algorithms developed to predict the effect of missense changes on protein structure and function are either unavailable or do not agree on the potential impact of this missense change (SIFT: "Deleterious"; PolyPhen-2: "Probably Damaging"; Align-GVGD: "Class C0"). In summary, the available evidence is currently insufficient to determine the role of this variant in disease. Therefore, it has been classified as a Variant of Uncertain Significance.

NM_005612.5(REST):c.216G>T (p.Gln72His)

Gene: REST (RE1 silencing transcription factor; plus strand). Cytogenetic location: 4q12.
Variant type: single nucleotide variant.
Coding change: c.216G>T on transcript NM_005612.5 (MANE Select); coding-DNA position 216, G replaced by T.
Protein change: p.Gln72His; replaces glutamine 72 with histidine.
Molecular consequence: missense variant.
Genome position (GRCh38, 1-based): chr4:56,910,854, G>T. VCF-style: chr4-56910854-G-T. GRCh37 (hg19) VCF-style: chr4-57777020-G-T.
Other names: c.216G>T, p.Gln72His (NM_001193508.2, NM_001363453.3); short protein forms Q72H.
Identifiers: ClinVar variation 2802775 (VCV002802775.3), dbSNP rs2475797983, ClinGen allele CA357003135.